The following is an entry in ClinVar:

ClinVar aggregate classification (germline): Uncertain significance (1 of 4 stars; one submission).

Conditions:
Anemia, nonspherocytic hemolytic, due to G6PD deficiency (CNSHA1). Also called: Hemolytic anemia due to G6PD deficiency; Class I glucose-6-phosphate dehydrogenase deficiency; Favism, susceptibility to; ANEMIA, CONGENITAL, NONSPHEROCYTIC HEMOLYTIC, 1. Identifiers: Orphanet 466026, MedGen C2720289, MONDO:0010480, OMIM 300908.

Submission:

Labcorp Genetics (formerly Invitae), Labcorp
Classification: Uncertain significance for Anemia, nonspherocytic hemolytic, due to G6PD deficiency. Last evaluated: 2025-04-14. Review status: criteria provided, single submitter. Criteria: Invitae Variant Classification Sherloc (09022015). Collection method: clinical testing. Allele origin: germline.
Comment: This sequence change replaces proline, which is neutral and non-polar, with leucine, which is neutral and non-polar, at codon 415 of the G6PD protein (p.Pro415Leu). This variant is not present in population databases (gnomAD no frequency). This variant has not been reported in the literature in individuals affected with G6PD-related conditions. Invitae Evidence Modeling of protein sequence and biophysical properties (such as structural, functional, and spatial information, amino acid conservation, physicochemical variation, residue mobility, and thermodynamic stability) has been performed for this missense variant. However, the output from this modeling did not meet the statistical confidence thresholds required to predict the impact of this variant on G6PD protein function. In summary, the available evidence is currently insufficient to determine the role of this variant in disease. Therefore, it has been classified as a Variant of Uncertain Significance.

NM_001360016.2(G6PD):c.1244C>T (p.Pro415Leu)

Gene: G6PD (glucose-6-phosphate dehydrogenase; minus strand). Cytogenetic location: Xq28.
Variant type: single nucleotide variant.
Coding change: c.1244C>T on transcript NM_001360016.2 (MANE Select); coding-DNA position 1244, C replaced by T.
Protein change: p.Pro415Leu; replaces proline 415 with leucine.
Molecular consequence: missense variant.
Genome position (GRCh38, 1-based): chrX:154,532,610, G>A on the plus strand (C>T on the coding strand, the complement: G6PD is on the minus strand). VCF-style: chrX-154532610-G-A. GRCh37 (hg19) VCF-style: chrX-153760825-G-A.
Other names: c.1334C>T, p.Pro445Leu (NM_000402.4); c.1244C>T, p.Pro415Leu (NM_001042351.3); short protein forms P445L, P415L.
Identifiers: ClinVar variation 4752101 (VCV004752101.1).